The following is an entry in ClinVar:

ClinVar aggregate classification (germline): Uncertain significance (1 of 4 stars; one submission).

Conditions:
KSR2-related disorder. Also called: KSR2-related condition.

gnomAD v4.1: 19 of 1,613,384 alleles (0.0012%); highest among the groups gnomAD compares: Non-Finnish European, 0.0016%; no homozygotes.

Submission:

PreventionGenetics, part of Exact Sciences
Classification: Uncertain significance for KSR2-related condition. Last evaluated: 2026-04-29. Review status: criteria provided, single submitter. Criteria: ACMG Guidelines, 2015. Collection method: clinical testing. Allele origin: germline.
Comment: The KSR2 c.2720G>T variant is predicted to result in the amino acid substitution p.Arg907Leu. This variant, alternatively referred to as p.Arg936Leu, has been reported in one individual with severe obesity (Figure 1, Pearce et al. 2013. PubMed ID: 24209692). This variant is reported in 0.0027% of alleles in individuals of European (non-Finnish) descent in gnomAD. Although we suspect this variant is pathogenic, at this time, the clinical significance of this variant is uncertain due to the absence of conclusive functional and genetic evidence.

NM_173598.6(KSR2):c.2807G>T (p.Arg936Leu)

Gene: KSR2 (kinase suppressor of ras 2; minus strand). Cytogenetic location: 12q24.22.
Variant type: single nucleotide variant.
Coding change: c.2807G>T on transcript NM_173598.6 (MANE Select); coding-DNA position 2807, G replaced by T.
Protein change: p.Arg936Leu; replaces arginine 936 with leucine.
Molecular consequence: missense variant.
Genome position (GRCh38, 1-based): chr12:117,469,701, C>A on the plus strand (G>T on the coding strand, the complement: KSR2 is on the minus strand). VCF-style: chr12-117469701-C-A. GRCh37 (hg19) VCF-style: chr12-117907506-C-A.
Other names: short protein forms R936L.
Identifiers: ClinVar variation 3357859 (VCV003357859.2).